The following is an entry in ClinVar:

NM_001377540.1(SLMAP):c.527T>C (p.Leu176Ser)

Gene: SLMAP (sarcolemma associated protein; plus strand). Cytogenetic location: 3p14.3.
Variant type: single nucleotide variant.
Coding change: c.527T>C on transcript NM_001377540.1 (MANE Select); coding-DNA position 527, T replaced by C.
Protein change: p.Leu176Ser; replaces leucine 176 with serine.
Molecular consequence: missense variant. On other transcripts: non-coding transcript variant (1).
Genome position (GRCh38, 1-based): chr3:57,857,740, T>C. VCF-style: chr3-57857740-T-C. GRCh37 (hg19) VCF-style: chr3-57843467-T-C.
Other names: c.527T>C, p.Leu176Ser (NM_001304420.3, NM_001304421.2, NM_001377538.1 and 17 more transcripts); short protein forms L176S.
Identifiers: ClinVar variation 3798744 (VCV003798744.2).

ClinVar aggregate classification (germline): Uncertain significance. Review status: criteria provided, multiple submitters, no conflicts (2 of 4 stars). 2 submissions from 2 submitters: Uncertain significance (2). Last evaluated 2025-12-21.

Conditions:
Brugada syndrome. Also called: Sudden unexplained nocturnal death syndrome; Sudden unexpected nocturnal death syndrome; Sudden Unexplained Death Syndrome; Sudden Unexplained Nocturnal Death Syndrome (SUNDS). Identifiers: Orphanet 130, MedGen C1142166, MONDO:0015263.

gnomAD v4.1: 6 of 1,611,460 alleles (0.00037%); highest among the groups gnomAD compares: African/African-American, 0.0067%; no homozygotes.

Submissions (2):

Labcorp Genetics (formerly Invitae), Labcorp
Classification: Uncertain significance for Brugada syndrome. Last evaluated: 2025-12-21. Review status: criteria provided, single submitter. Criteria: Invitae Variant Classification Sherloc (09022015). Collection method: clinical testing. Allele origin: germline.
Comment: This sequence change replaces leucine, which is neutral and non-polar, with serine, which is neutral and polar, at codon 176 of the SLMAP protein (p.Leu176Ser). This variant is present in population databases (rs761101848, gnomAD 0.007%). This variant has not been reported in the literature in individuals affected with SLMAP-related conditions. ClinVar contains an entry for this variant (Variation ID: 3798744). An algorithm developed to predict the effect of missense changes on protein structure and function (PolyPhen-2) suggests that this variant is likely to be disruptive. In summary, the available evidence is currently insufficient to determine the role of this variant in disease. Therefore, it has been classified as a Variant of Uncertain Significance.

Ambry Genetics
Classification: Uncertain significance. Last evaluated: 2024-12-14. Review status: criteria provided, single submitter. Criteria: Ambry Variant Classification Scheme 2023. Collection method: clinical testing. Allele origin: germline.
Comment: The p.L176S variant (also known as c.527T>C), located in coding exon 6 of the SLMAP gene, results from a T to C substitution at nucleotide position 527. The leucine at codon 176 is replaced by serine, an amino acid with dissimilar properties. This amino acid position is conserved. In addition, this alteration is predicted to be deleterious by in silico analysis. Based on the available evidence, the clinical significance of this variant remains unclear.